The following is an entry in ClinVar:

NM_000206.3(IL2RG):c.671G>C (p.Arg224Pro)

Gene: IL2RG (interleukin 2 receptor subunit gamma; minus strand). Cytogenetic location: Xq13.1.
Variant type: single nucleotide variant.
Coding change: c.671G>C on transcript NM_000206.3 (MANE Select); coding-DNA position 671, G replaced by C.
Protein change: p.Arg224Pro; replaces arginine 224 with proline.
Molecular consequence: missense variant.
Genome position (GRCh38, 1-based): chrX:71,109,314, C>G on the plus strand (G>C on the coding strand, the complement: IL2RG is on the minus strand). VCF-style: chrX-71109314-C-G. GRCh37 (hg19) VCF-style: chrX-70329164-C-G.
Other names: short protein forms R224P.
Identifiers: ClinVar variation 2768005 (VCV002768005.3), dbSNP rs775127703, ClinGen allele CA413496002.

ClinVar aggregate classification (germline): Pathogenic (1 of 4 stars; one submission).

Conditions:
X-linked severe combined immunodeficiency (SCIDX1). Also called: X-Linked Combined Immunodeficiency Diseases; IMMUNODEFICIENCY 4; SCID, X-LINKED; SEVERE COMBINED IMMUNODEFICIENCY, X-LINKED, T CELL-NEGATIVE, B CELL-POSITIVE, NK CELL-NEGATIVE; T-B+ severe combined immunodeficiency due to gamma chain deficiency. Identifiers: Orphanet 276, MedGen C6022468, MONDO:0010315, OMIM 300400. Disease mechanism: loss of function.

Submission:

Labcorp Genetics (formerly Invitae), Labcorp
Classification: Pathogenic for X-linked severe combined immunodeficiency. Last evaluated: 2025-07-21. Review status: criteria provided, single submitter. Criteria: Invitae Variant Classification Sherloc (09022015). Collection method: clinical testing. Allele origin: germline.
Comment: This sequence change replaces arginine, which is basic and polar, with proline, which is neutral and non-polar, at codon 224 of the IL2RG protein (p.Arg224Pro). This variant is not present in population databases (gnomAD no frequency). This missense change has been observed in individual(s) with severe combined immunodeficiency (internal data). ClinVar contains an entry for this variant (Variation ID: 2768005). Invitae Evidence Modeling of protein sequence and biophysical properties (such as structural, functional, and spatial information, amino acid conservation, physicochemical variation, residue mobility, and thermodynamic stability) indicates that this missense variant is expected to disrupt IL2RG protein function with a positive predictive value of 95%. This variant disrupts the p.Arg224 amino acid residue in IL2RG. Other variant(s) that disrupt this residue have been determined to be pathogenic (PMID: 9049783, 9058718, 9633906, 10792291, 21184155, 28747913). This suggests that this residue is clinically significant, and that variants that disrupt this residue are likely to be disease-causing. For these reasons, this variant has been classified as Pathogenic.

Literature cited by the submitters: PubMed 9049783; PubMed 9058718; PubMed 9633906; PubMed 10792291; PubMed 21184155; PubMed 28747913.